The following is an entry in ClinVar:

NM_004168.4(SDHA):c.1551+7G>C

Gene: SDHA (succinate dehydrogenase complex flavoprotein subunit A; plus strand). Cytogenetic location: 5p15.33.
Variant type: single nucleotide variant.
Coding change: c.1551+7G>C on transcript NM_004168.4 (MANE Select); 7 bases into the intron after coding-DNA position 1551, G replaced by C.
Molecular consequence: intron variant.
Genome position (GRCh38, 1-based): chr5:240,483, G>C. VCF-style: chr5-240483-G-C. GRCh37 (hg19) VCF-style: chr5-240598-G-C.
Other names: c.1551+7G>C (NM_001330758.2); c.1407+7G>C (NM_001294332.2).
Identifiers: ClinVar variation 472340 (VCV000472340.12), dbSNP rs760796714, ClinGen allele CA3173275.

ClinVar aggregate classification (germline): Likely benign. Review status: criteria provided, multiple submitters, no conflicts (2 of 4 stars). 2 submissions from 2 submitters: Likely benign (2). Last evaluated 2025-10-13.

Conditions:
Mitochondrial complex II deficiency, nuclear type 1. Also called: SUCCINATE CoQ REDUCTASE DEFICIENCY. Identifiers: Orphanet 3208, MedGen C5700310, MONDO:0100294, OMIM 252011.
Pheochromocytoma/paraganglioma syndrome 5. Also called: Paragangliomas 5; SDHA-Related Hereditary Paraganglioma-Pheochromocytoma Syndrome. Identifiers: Orphanet 29072, MedGen C3279992, MONDO:0013602, OMIM 614165.

Allele frequency attached by ClinVar (database versions not stated): ExAC 0.00001; gnomAD exomes 0.00001.
gnomAD v4.1: 2 of 1,563,208 alleles (0.00013%); highest among the groups gnomAD compares: East Asian, 0.0022%; no homozygotes.

Submissions (2):

Labcorp Genetics (formerly Invitae), Labcorp
Classification: Likely benign for Pheochromocytoma/paraganglioma syndrome 5; Mitochondrial complex II deficiency, nuclear type 1. Last evaluated: 2025-10-13. Review status: criteria provided, single submitter. Criteria: Invitae Variant Classification Sherloc (09022015). Collection method: clinical testing. Allele origin: germline.

Myriad Genetics, Inc.
Classification: Likely benign for Pheochromocytoma/paraganglioma syndrome 5. Last evaluated: 2025-03-10. Review status: criteria provided, single submitter. Criteria: Myriad Autosomal Dominant, Autosomal Recessive and X-Linked Classification Criteria (2023). Collection method: clinical testing. Allele origin: unknown.
Comment: This variant is considered likely benign. This variant is intronic and is not expected to impact mRNA splicing.